The following is an entry in ClinVar:

NM_182643.3(DLC1):c.4019T>G (p.Phe1340Cys)

Genes: DLC1 (DLC1 Rho GTPase activating protein; minus strand), LOC126860305 (MED14-independent group 3 enhancer GRCh37_chr8:12947375-12948574; plus strand). Cytogenetic location: 8p22.
Variant type: single nucleotide variant.
Coding change: c.4019T>G on transcript NM_182643.3 (MANE Select); coding-DNA position 4019, T replaced by G.
Protein change: p.Phe1340Cys; replaces phenylalanine 1340 with cysteine.
Molecular consequence: missense variant. On other transcripts: intron variant (2).
Genome position (GRCh38, 1-based): chr8:13,090,307, A>C on the plus strand (T>G on the coding strand, the complement: DLC1 is on the minus strand). VCF-style: chr8-13090307-A-C. GRCh37 (hg19) VCF-style: chr8-12947816-A-C.
Other names: c.2486T>G, p.Phe829Cys (NM_001164271.2, NM_001348082.2, NM_001348083.1 and 6 more transcripts); c.2810T>G, p.Phe937Cys (NM_001316668.2); c.4019T>G, p.Phe1340Cys (NM_001348081.2, NM_001413124.1); c.2801T>G, p.Phe934Cys (NM_001413130.1); c.2459T>G, p.Phe820Cys (NM_001413131.1, NM_001413137.1); c.2945T>G, p.Phe982Cys (NM_001413132.1); c.2708T>G, p.Phe903Cys (NM_001413135.1, NM_001413139.1, NM_006094.5); c.2843T>G, p.Phe948Cys (NM_001413140.1); and 2 more; short protein forms F903C, F982C, F829C, F820C, F1340C, F934C, F937C, F948C.
Identifiers: ClinVar variation 3082690 (VCV003082690.1), dbSNP rs1442272121, ClinGen allele CA370340794.

ClinVar aggregate classification (germline): Uncertain significance (1 of 4 stars; one submission).

Allele frequency attached by ClinVar (database versions not stated): gnomAD exomes 0.00001.
gnomAD v4.1: 3 of 1,614,150 alleles (0.00019%); highest among the groups gnomAD compares: East Asian, 0.0067%; no homozygotes.

Submission:

Ambry Genetics
Classification: Uncertain significance. Last evaluated: 2023-12-20. Review status: criteria provided, single submitter. Criteria: Ambry Variant Classification Scheme 2023. Collection method: clinical testing. Allele origin: germline.
Comment: Does not currently meet published gene-disease clinical validity criteria Based on insufficient or conflicting evidence, the clinical significance of this alteration remains unclear.

Literature cited by the submitters: PubMed 28106320.